The following is an entry in ClinVar:

ClinVar aggregate classification (germline): Pathogenic/Likely pathogenic. Review status: criteria provided, multiple submitters, no conflicts (2 of 4 stars). 3 submissions from 3 submitters: Pathogenic (1); Likely pathogenic (2). Last evaluated 2024-05-15.

Conditions:
Lethal multiple pterygium syndrome (LMPS). Identifiers: Orphanet 33108, MedGen C1854678, MONDO:0009668, OMIM 253290.
Myasthenic syndrome, congenital, 1A, slow-channel. Also called: CMS IIa; MYASTHENIC SYNDROME, CONGENITAL, TYPE IIa; Congenital myasthenic syndrome 1A. Identifiers: MedGen C2931107, MONDO:0011088, OMIM 601462.
Myasthenic syndrome, congenital, 1B, fast-channel. Also called: Fast-Channel Congenital Myasthenia Syndrome. Identifiers: Orphanet 590, MedGen C4225405, MONDO:0012156, OMIM 608930.

Submissions (3):

Labcorp Genetics (formerly Invitae), Labcorp
Classification: Pathogenic for Lethal multiple pterygium syndrome. Last evaluated: 2024-05-15. Review status: criteria provided, single submitter. Criteria: Invitae Variant Classification Sherloc (09022015). Collection method: clinical testing. Allele origin: germline.
Comment: This sequence change creates a premature translational stop signal (p.Ser174Leufs*194) in the CHRNA1 gene. It is expected to result in an absent or disrupted protein product. Loss-of-function variants in CHRNA1 are known to be pathogenic (PMID: 14719537, 15907919, 18252226). This variant is present in population databases (no rsID available, gnomAD 0.003%). This variant has not been reported in the literature in individuals affected with CHRNA1-related conditions. ClinVar contains an entry for this variant (Variation ID: 418733). For these reasons, this variant has been classified as Pathogenic.

Fulgent Genetics
Classification: Likely pathogenic for Lethal multiple pterygium syndrome; Myasthenic syndrome, congenital, 1A, slow-channel; Myasthenic syndrome, congenital, 1B, fast-channel. Last evaluated: 2021-09-28. Review status: criteria provided, single submitter. Criteria: ACMG Guidelines, 2015. Collection method: clinical testing. Allele origin: unknown.

GeneDx
Classification: Likely pathogenic. Last evaluated: 2017-11-13. Review status: criteria provided, single submitter. Criteria: GeneDx Variant Classification (06012015). Collection method: clinical testing. Allele origin: germline. Affected: yes.
Comment: The c.518dupG variant in the CHRNA1 gene has not been reported previously as a pathogenic variant nor as a benign variant, to our knowledge. The c.518dupG variant causes a frameshift starting with codon Serine 174, changes this amino acid to a Leucine residue, and creates a premature Stop codon at position 194 of the new reading frame, denoted p.Ser174LeufsX194. This variant is predicted to cause loss of normal protein function either through protein truncation or nonsense-mediated mRNA decay. The c.518dupG variant is not observed at a significant frequency in large population cohorts (Lek et al., 2016). We interpret c.518dupG as a likely pathogenic variant.

Literature cited by the submitters: PubMed 14719537 (cited by Labcorp Genetics (formerly Invitae), Labcorp); PubMed 15907919 (cited by Labcorp Genetics (formerly Invitae), Labcorp); PubMed 18252226 (cited by Labcorp Genetics (formerly Invitae), Labcorp).

NM_000079.4(CHRNA1):c.518dup (p.Ser174fs)

Gene: CHRNA1 (cholinergic receptor nicotinic alpha 1 subunit; minus strand). Cytogenetic location: 2q31.1.
Variant type: Duplication.
Coding change: c.518dup on transcript NM_000079.4 (MANE Select); coding-DNA position 518, one base duplicated (G; older notation c.518dupG).
Protein change: p.Ser174fs; shifts the reading frame from serine 174.
Molecular consequence: frameshift variant.
Genome position (GRCh38, 1-based): chr2:174,754,241, C duplicated on the plus strand (G on the coding strand, the reverse complement: CHRNA1 is on the minus strand); the first of 2 consecutive C bases (chr2:174,754,241-174,754,242); duplicating either gives the same sequence. VCF-style (leftmost placement, unchanged base first): chr2-174754240-G-GC. GRCh37 (hg19) VCF-style: chr2-175618968-G-GC.
Other names: c.518dupG (NM_000079.3); c.593dup, p.Ser199fs (NM_001039523.3); short protein forms S199fs, S174fs.
Identifiers: ClinVar variation 418733 (VCV000418733.9), dbSNP rs1064793397, ClinGen allele CA16617326.